The following is an entry in ClinVar:

NM_198569.3(ADGRG6):c.507A>G (p.Val169=)

Gene: ADGRG6 (adhesion G protein-coupled receptor G6; plus strand). Cytogenetic location: 6q24.2.
Variant type: single nucleotide variant.
Coding change: c.507A>G on transcript NM_198569.3 (MANE Select); coding-DNA position 507, A replaced by G.
Protein change: p.Val169=; no amino-acid change (valine 169 retained).
Molecular consequence: synonymous variant.
Genome position (GRCh38, 1-based): chr6:142,370,231, A>G. VCF-style: chr6-142370231-A-G. GRCh37 (hg19) VCF-style: chr6-142691368-A-G.
Other names: c.507A>G, p.Val169= (NM_001032394.3, NM_001032395.3, NM_020455.6).
Identifiers: ClinVar variation 2656947 (VCV002656947.24), dbSNP rs2483175681, ClinGen allele CA452442973.

ClinVar aggregate classification (germline): Likely benign (1 of 4 stars; one submission).

gnomAD v4.1: 2 of 1,610,818 alleles (0.00012%); no homozygotes.

Submission:

CeGaT Center for Human Genetics Tuebingen
Classification: Likely benign. Last evaluated: 2022-09-01. Review status: criteria provided, single submitter. Criteria: CeGaT Center For Human Genetics Tuebingen Variant Classification Criteria Version 2. Collection method: clinical testing. Allele origin: germline. Affected: yes. Observed: 1 variant allele.
Comment: ADGRG6: PM2:Supporting, BP4, BP7